The following is an entry in ClinVar:

ClinVar aggregate classification (germline): Uncertain significance (1 of 4 stars; one submission).

Submission:

GeneDx
Classification: Uncertain significance. Last evaluated: 2019-09-04. Review status: criteria provided, single submitter. Criteria: GeneDx Variant Classification Process June 2021. Collection method: clinical testing. Allele origin: germline. Affected: yes.
Comment: Not observed in large population cohorts (Lek 2016); In silico analysis, which includes protein predictors and evolutionary conservation, supports that this variant does not alter protein structure/function; Has not been previously published as pathogenic or benign to our knowledge

NM_006231.4(POLE):c.2710G>C (p.Gly904Arg)

Gene: POLE (DNA polymerase epsilon, catalytic subunit; minus strand). Cytogenetic location: 12q24.33.
Variant type: single nucleotide variant.
Coding change: c.2710G>C on transcript NM_006231.4 (MANE Select); coding-DNA position 2710, G replaced by C.
Protein change: p.Gly904Arg; replaces glycine 904 with arginine.
Molecular consequence: missense variant.
Genome position (GRCh38, 1-based): chr12:132,661,681, C>G on the plus strand (G>C on the coding strand, the complement: POLE is on the minus strand). VCF-style: chr12-132661681-C-G. GRCh37 (hg19) VCF-style: chr12-133238267-C-G.
Other names: short protein forms G904R.
Identifiers: ClinVar variation 1312113 (VCV001312113.2), dbSNP rs2135949756, ClinGen allele CA387394068.